The following is an entry in ClinVar:

ClinVar aggregate classification (germline): Uncertain significance (1 of 4 stars; one submission).

Submission:

GeneDx
Classification: Uncertain significance. Last evaluated: 2026-02-07. Review status: criteria provided, single submitter. Criteria: GeneDx Variant Classification Process June 2021. Collection method: clinical testing. Allele origin: germline.
Comment: Not observed at significant frequency in large population cohorts (gnomAD); Has not been previously published as pathogenic or benign to our knowledge; Nonsense variant predicted to result in protein truncation as the last 133 amino acid(s) are lost with an unclear effect on protein function

NM_004770.3(KCNB2):c.2335G>T (p.Gly779Ter)

Gene: KCNB2 (potassium voltage-gated channel subfamily B member 2; plus strand). Cytogenetic location: 8q21.11.
Variant type: single nucleotide variant.
Coding change: c.2335G>T on transcript NM_004770.3 (MANE Select); coding-DNA position 2335, G replaced by T.
Protein change: p.Gly779Ter; replaces glycine 779 with a stop codon.
Molecular consequence: nonsense.
Genome position (GRCh38, 1-based): chr8:72,937,690, G>T. VCF-style: chr8-72937690-G-T. GRCh37 (hg19) VCF-style: chr8-73849925-G-T.
Other names: short protein forms G779*.
Identifiers: ClinVar variation 4976293 (VCV004976293.1).